The following is an entry in ClinVar:

ClinVar aggregate classification (germline): Benign/Likely benign. Review status: criteria provided, multiple submitters, no conflicts (2 of 4 stars). 3 submissions from 3 submitters: Benign (1); Likely benign (2). Last evaluated 2024-06-25.

Conditions:
Hereditary cancer-predisposing syndrome. Also called: Tumor predisposition; Neoplastic Syndromes, Hereditary; Hereditary Cancer Syndrome; Hereditary neoplastic syndrome. Identifiers: Orphanet 140162, MedGen C0027672, MeSH D009386, MONDO:0015356.
Oligodontia-cancer predisposition syndrome. Also called: TOOTH AGENESIS-COLORECTAL CANCER SYNDROME. Identifiers: Orphanet 300576, MedGen C1837750, MONDO:0012075, OMIM 608615. Disease mechanism: loss of function.

Submissions (3):

Myriad Genetics, Inc.
Classification: Benign for Oligodontia-cancer predisposition syndrome. Last evaluated: 2024-06-25. Review status: criteria provided, single submitter. Criteria: Myriad Autosomal Dominant, Autosomal Recessive and X-Linked Classification Criteria (2023). Collection method: clinical testing. Allele origin: unknown.
Comment: This variant is considered benign. This variant is a silent/synonymous amino acid change and it is not expected to impact splicing.

Labcorp Genetics (formerly Invitae), Labcorp
Classification: Likely benign for Oligodontia-cancer predisposition syndrome. Last evaluated: 2022-03-27. Review status: criteria provided, single submitter. Criteria: Invitae Variant Classification Sherloc (09022015). Collection method: clinical testing. Allele origin: germline.

Ambry Genetics
Classification: Likely benign for Hereditary cancer-predisposing syndrome. Last evaluated: 2021-07-09. Review status: criteria provided, single submitter. Criteria: Ambry Variant Classification Scheme 2023. Collection method: clinical testing. Allele origin: germline.

NM_004655.4(AXIN2):c.30C>T (p.Leu10=)

Gene: AXIN2 (axin 2; minus strand). Cytogenetic location: 17q24.1.
Variant type: single nucleotide variant.
Coding change: c.30C>T on transcript NM_004655.4 (MANE Select); coding-DNA position 30, C replaced by T.
Protein change: p.Leu10=; no amino-acid change (leucine 10 retained).
Molecular consequence: synonymous variant.
Genome position (GRCh38, 1-based): chr17:65,558,591, G>A on the plus strand (C>T on the coding strand, the complement: AXIN2 is on the minus strand). VCF-style: chr17-65558591-G-A. GRCh37 (hg19) VCF-style: chr17-63554709-G-A.
Other names: c.30C>T, p.Leu10= (NM_001363813.1).
Identifiers: ClinVar variation 1727613 (VCV001727613.8), dbSNP rs761670939, ClinGen allele CA501691732.
Genomic context (GRCh38, chr17:65,558,591, plus strand): 5'-TTCTTCCCCTGGCACTGGGGGCCGCGGGGCATCCTCACGGAAGCTGCTGCTGGGGTCCGG[G>A]AGGCAAGTCACCAACATAGCGCTACTCATGGTGAGGGAGCTCTTCCCACTGAGTCTGGGA-3'
Protein context (NP_004646.3, residues 1-20): MSSAMLVTC[Leu10=]PDPSSSFRED